The following is an entry in ClinVar:

NM_002291.3(LAMB1):c.3711C>A (p.Ser1237Arg)

Gene: LAMB1 (laminin subunit beta 1; minus strand). Cytogenetic location: 7q31.1.
Variant type: single nucleotide variant.
Coding change: c.3711C>A on transcript NM_002291.3 (MANE Select); coding-DNA position 3711, C replaced by A.
Protein change: p.Ser1237Arg; replaces serine 1237 with arginine.
Molecular consequence: missense variant.
Genome position (GRCh38, 1-based): chr7:107,940,039, G>T on the plus strand (C>A on the coding strand, the complement: LAMB1 is on the minus strand). VCF-style: chr7-107940039-G-T. GRCh37 (hg19) VCF-style: chr7-107580484-G-T.
Other names: short protein forms S1237R.
Identifiers: ClinVar variation 2876654 (VCV002876654.3), dbSNP rs751489628, ClinGen allele CA368857845.

ClinVar aggregate classification (germline): Uncertain significance (1 of 4 stars; one submission).

Submission:

Labcorp Genetics (formerly Invitae), Labcorp
Classification: Uncertain significance. Last evaluated: 2023-08-14. Review status: criteria provided, single submitter. Criteria: Invitae Variant Classification Sherloc (09022015). Collection method: clinical testing. Allele origin: germline.
Comment: In summary, the available evidence is currently insufficient to determine the role of this variant in disease. Therefore, it has been classified as a Variant of Uncertain Significance. An algorithm developed to predict the effect of missense changes on protein structure and function (PolyPhen-2) suggests that this variant is likely to be tolerated. This variant has not been reported in the literature in individuals affected with LAMB1-related conditions. This variant is not present in population databases (gnomAD no frequency). This sequence change replaces serine, which is neutral and polar, with arginine, which is basic and polar, at codon 1237 of the LAMB1 protein (p.Ser1237Arg).